The following is an entry in ClinVar:

NM_000198.4(HSD3B2):c.939del (p.Phe314fs)

Gene: HSD3B2 (hydroxy-delta-5-steroid dehydrogenase, 3 beta- and steroid delta-isomerase 2; plus strand). Cytogenetic location: 1p12.
Variant type: Deletion.
Coding change: c.939del on transcript NM_000198.4 (MANE Select); coding-DNA position 939, one base deleted (C; older notation c.939delC).
Protein change: p.Phe314fs; shifts the reading frame from phenylalanine 314.
Molecular consequence: frameshift variant.
Genome position (GRCh38, 1-based): chr1:119,422,440, C deleted; the last of 6 consecutive C bases (chr1:119,422,435-119,422,440); deleting any one gives the same sequence. VCF-style (leftmost placement, unchanged base first): chr1-119422434-AC-A. GRCh37 (hg19) VCF-style: chr1-119965057-AC-A.
Other names: c.939del, p.Phe314fs (NM_001166120.2); short protein forms F314fs.
Identifiers: ClinVar variation 4763747 (VCV004763747.1).

ClinVar aggregate classification (germline): Likely pathogenic (1 of 4 stars; one submission).

Submission:

Labcorp Genetics (formerly Invitae), Labcorp
Classification: Likely pathogenic. Last evaluated: 2026-01-09. Review status: criteria provided, single submitter. Criteria: Invitae Variant Classification Sherloc (09022015). Collection method: clinical testing. Allele origin: germline.
Comment: This sequence change creates a premature translational stop signal (p.Phe314Serfs*54) in the HSD3B2 gene. While this is not anticipated to result in nonsense mediated decay, it is expected to disrupt the last 59 amino acid(s) of the HSD3B2 protein. This variant is not present in population databases (gnomAD no frequency). This premature translational stop signal has been observed in individual(s) with 3-beta-hydroxysteroid dehydrogenase deficiency (PMID: 31950145, 35028661). This variant disrupts the C-terminus of the HSD3B2 protein, which has been demonstrated to be critical for enzymatic activity (PMID: 1825279). While functional studies have not been performed to directly test the effect of this variant on HSD3B2 protein function, this suggests that disruption of this region of the protein is causative of disease. In summary, the currently available evidence indicates that the variant is pathogenic, but additional data are needed to prove that conclusively. Therefore, this variant has been classified as Likely Pathogenic.

Literature cited by the submitters: PubMed 31950145; PubMed 35028661; PubMed 1825279.